The following is an entry in ClinVar:

ClinVar aggregate classification (germline): Uncertain significance (1 of 4 stars; one submission).

Conditions:
Niemann-Pick disease, type C1. Also called: NIEMANN-PICK DISEASE, VARIANT TYPE C1; NEUROVISCERAL STORAGE DISEASE WITH VERTICAL SUPRANUCLEAR OPHTHALMOPLEGIA; NIEMANN-PICK DISEASE WITH CHOLESTEROL ESTERIFICATION BLOCK; NIEMANN-PICK DISEASE WITHOUT SPHINGOMYELINASE DEFICIENCY; NIEMANN-PICK DISEASE, CHRONIC NEURONOPATHIC FORM. Identifiers: Orphanet 646, MedGen C3179455, MONDO:0009757, OMIM 257220.

Submission:

Labcorp Genetics (formerly Invitae), Labcorp
Classification: Uncertain significance for Niemann-Pick disease, type C1. Last evaluated: 2021-12-24. Review status: criteria provided, single submitter. Criteria: Invitae Variant Classification Sherloc (09022015). Collection method: clinical testing. Allele origin: germline.
Comment: In summary, the available evidence is currently insufficient to determine the role of this variant in disease. Therefore, it has been classified as a Variant of Uncertain Significance. Algorithms developed to predict the effect of missense changes on protein structure and function are either unavailable or do not agree on the potential impact of this missense change (SIFT: "Tolerated"; PolyPhen-2: "Probably Damaging"; Align-GVGD: "Class C0"). This variant has not been reported in the literature in individuals affected with NPC1-related conditions. This variant is not present in population databases (gnomAD no frequency). This sequence change replaces aspartic acid, which is acidic and polar, with glutamic acid, which is acidic and polar, at codon 1097 of the NPC1 protein (p.Asp1097Glu).

NM_000271.5(NPC1):c.3291C>G (p.Asp1097Glu)

Gene: NPC1 (NPC intracellular cholesterol transporter 1; minus strand). Cytogenetic location: 18q11.2.
Variant type: single nucleotide variant.
Coding change: c.3291C>G on transcript NM_000271.5 (MANE Select); coding-DNA position 3291, C replaced by G.
Protein change: p.Asp1097Glu; replaces aspartic acid 1097 with glutamic acid.
Molecular consequence: missense variant.
Genome position (GRCh38, 1-based): chr18:23,535,655, G>C on the plus strand (C>G on the coding strand, the complement: NPC1 is on the minus strand). VCF-style: chr18-23535655-G-C. GRCh37 (hg19) VCF-style: chr18-21115619-G-C.
Other names: short protein forms D1097E.
Identifiers: ClinVar variation 2059147 (VCV002059147.4), dbSNP rs2145351679, ClinGen allele CA401791510.